The following is an entry in ClinVar:

NM_001127208.3(TET2):c.2971G>T (p.Ala991Ser)

Genes: TET2 (tet methylcytosine dioxygenase 2; plus strand), TET2-AS1 (TET2 antisense RNA 1; minus strand). Cytogenetic location: 4q24.
Variant type: single nucleotide variant.
Coding change: c.2971G>T on transcript NM_001127208.3 (MANE Select); coding-DNA position 2971, G replaced by T.
Protein change: p.Ala991Ser; replaces alanine 991 with serine.
Molecular consequence: missense variant.
Genome position (GRCh38, 1-based): chr4:105,236,913, G>T. VCF-style: chr4-105236913-G-T. GRCh37 (hg19) VCF-style: chr4-106158070-G-T.
Other names: c.2971G>T, p.Ala991Ser (NM_017628.4); short protein forms A991S.
Identifiers: ClinVar variation 4865577 (VCV004865577.1).

ClinVar aggregate classification (germline): Uncertain significance (1 of 4 stars; one submission).

gnomAD v4.1: 2 of 1,614,100 alleles (0.00012%); highest among the groups gnomAD compares: South Asian, 0.0022%; no homozygotes.

Submission:

Ambry Genetics
Classification: Uncertain significance. Last evaluated: 2026-05-14. Review status: criteria provided, single submitter. Criteria: Ambry Variant Classification Scheme 2023. Collection method: clinical testing. Allele origin: germline.
Comment: The p.A991S variant (also known as c.2971G>T), located in coding exon 1 of the TET2 gene, results from a G to T substitution at nucleotide position 2971. The alanine at codon 991 is replaced by serine, an amino acid with similar properties. This amino acid position is conserved. In addition, this alteration is predicted to be tolerated by in silico analysis. Based on the available evidence, the clinical significance of this variant remains unclear.